The following is an entry in ClinVar:

NM_138425.4(C12orf57):c.139A>G (p.Met47Val)

Gene: C12orf57 (chromosome 12 open reading frame 57; plus strand). Cytogenetic location: 12p13.31.
Variant type: single nucleotide variant.
Coding change: c.139A>G on transcript NM_138425.4 (MANE Select); coding-DNA position 139, A replaced by G.
Protein change: p.Met47Val; replaces methionine 47 with valine.
Molecular consequence: missense variant. On other transcripts: non-coding transcript variant (1).
Genome position (GRCh38, 1-based): chr12:6,944,562, A>G. VCF-style: chr12-6944562-A-G. GRCh37 (hg19) VCF-style: chr12-7053725-A-G.
Other names: c.139A>G, p.Met47Val (NM_001301834.1, NM_001301837.2); c.100A>G, p.Met34Val (NM_001301836.2); c.34A>G, p.Met12Val (NM_001301838.2); short protein forms M34V, M47V, M12V.
Identifiers: ClinVar variation 2015803 (VCV002015803.3), dbSNP rs920378510, ClinGen allele CA383744532.
Genomic context (GRCh38, chr12:6,944,562, plus strand): 5'-TTCTCCGCCCCGGAGAATGCAGTGCGCATGGACGAGGCTCGGGATAACGCCTGCAACGAC[A>G]TGGGTAAGATGCTGCAATTCGTGCTGCCCGTGGCCACGCAGATCCAGCAGGAGGTTATCA-3'
Protein context (NP_612434.1, residues 37-57): DEARDNACND[Met47Val]GKMLQFVLPV

ClinVar aggregate classification (germline): Uncertain significance (1 of 4 stars; one submission).

Conditions:
Temtamy syndrome (TEMTYS). Also called: MENTAL RETARDATION WITH OR WITHOUT CRANIOFACIAL DYSMORPHISM, OCULAR COLOBOMA, OR ABNORMAL CORPUS CALLOSUM. Identifiers: Orphanet 1777, MedGen C1857512, MONDO:0009033, OMIM 218340.

gnomAD v4.1: 7 of 1,614,140 alleles (0.00043%); highest among the groups gnomAD compares: Admixed American, 0.0017%; no homozygotes.

Submission:

Labcorp Genetics (formerly Invitae), Labcorp
Classification: Uncertain significance for Temtamy syndrome. Last evaluated: 2022-07-10. Review status: criteria provided, single submitter. Criteria: Invitae Variant Classification Sherloc (09022015). Collection method: clinical testing. Allele origin: germline.
Comment: This sequence change replaces methionine, which is neutral and non-polar, with valine, which is neutral and non-polar, at codon 47 of the C12orf57 protein (p.Met47Val). This variant is present in population databases (no rsID available, gnomAD 0.004%). This variant has not been reported in the literature in individuals affected with C12orf57-related conditions. Algorithms developed to predict the effect of missense changes on protein structure and function are either unavailable or do not agree on the potential impact of this missense change (SIFT: "Deleterious"; PolyPhen-2: "Benign"; Align-GVGD: "Class C0"). In summary, the available evidence is currently insufficient to determine the role of this variant in disease. Therefore, it has been classified as a Variant of Uncertain Significance.